The following is an entry in ClinVar:

NM_198859.4(PRICKLE2):c.454G>A (p.Gly152Ser)

Gene: PRICKLE2 (prickle planar cell polarity protein 2; minus strand). Cytogenetic location: 3p14.1.
Variant type: single nucleotide variant.
Coding change: c.454G>A on transcript NM_198859.4 (MANE Select); coding-DNA position 454, G replaced by A.
Protein change: p.Gly152Ser; replaces glycine 152 with serine.
Molecular consequence: missense variant.
Genome position (GRCh38, 1-based): chr3:64,157,308, C>T on the plus strand (G>A on the coding strand, the complement: PRICKLE2 is on the minus strand). VCF-style: chr3-64157308-C-T. GRCh37 (hg19) VCF-style: chr3-64142984-C-T.
Other names: c.454G>A, p.Gly152Ser (NM_001370528.1); short protein forms G152S.
Identifiers: ClinVar variation 478007 (VCV000478007.7), dbSNP rs199566606, ClinGen allele CA2479811.

ClinVar aggregate classification (germline): Uncertain significance. Review status: criteria provided, multiple submitters, no conflicts (2 of 4 stars). 2 submissions from 2 submitters: Uncertain significance (2). Last evaluated 2026-01-14.

Conditions:
Progressive myoclonic epilepsy type 5. Identifiers: Orphanet 402082, MedGen C5190799.

Allele frequency attached by ClinVar (database versions not stated): gnomAD 0.00002; ExAC 0.00003; gnomAD exomes 0.00004; TOPMed 0.00006; 1000 Genomes Project 30x 0.00016; 1000 Genomes Project 0.00020.
gnomAD v4.1: 32 of 1,614,048 alleles (0.002%); highest among the groups gnomAD compares: Admixed American, 0.0083%; no homozygotes.

Submissions (2):

Women's Health and Genetics/Laboratory Corporation of America, LabCorp
Classification: Uncertain significance. Last evaluated: 2026-01-14. Review status: criteria provided, single submitter. Criteria: LabCorp Variant Classification Summary - May 2015. Collection method: clinical testing. Allele origin: germline.
Comment: Variant summary: PRICKLE2 c.454G>A (p.Gly152Ser) results in a non-conservative amino acid change in the encoded protein sequence. Algorithms developed to predict the effect of missense changes on protein structure and function all suggest that this variant is likely to be disruptive. The variant allele was found at a frequency of 3.6e-05 in 250190 control chromosomes. The available data on variant occurrences in the general population are insufficient to allow any conclusion about variant significance. c.454G>A has been observed in individual(s) affected with myelomeningocele without specified genotype (e.g. Hebert_2020). These report(s) do not provide unequivocal conclusions about association of the variant with PRICKLE2-Related Disorders. To our knowledge, no experimental evidence demonstrating an impact on protein function has been reported. The following publication has been ascertained in the context of this evaluation (PMID: 32970752). ClinVar contains an entry for this variant (Variation ID: 478007). Based on the evidence outlined above, the variant was classified as uncertain significance.

Labcorp Genetics (formerly Invitae), Labcorp
Classification: Uncertain significance for Progressive myoclonic epilepsy type 5. Last evaluated: 2024-01-29. Review status: criteria provided, single submitter. Criteria: Invitae Variant Classification Sherloc (09022015). Collection method: clinical testing. Allele origin: germline.
Comment: This sequence change replaces glycine, which is neutral and non-polar, with serine, which is neutral and polar, at codon 152 of the PRICKLE2 protein (p.Gly152Ser). This variant is present in population databases (rs199566606, gnomAD 0.01%). This variant has not been reported in the literature in individuals affected with PRICKLE2-related conditions. ClinVar contains an entry for this variant (Variation ID: 478007). Advanced modeling of protein sequence and biophysical properties (such as structural, functional, and spatial information, amino acid conservation, physicochemical variation, residue mobility, and thermodynamic stability) performed at Invitae indicates that this missense variant is not expected to disrupt PRICKLE2 protein function with a negative predictive value of 80%. In summary, the available evidence is currently insufficient to determine the role of this variant in disease. Therefore, it has been classified as a Variant of Uncertain Significance.

Literature cited by the submitters: PubMed 32970752 (cited by Women's Health and Genetics/Laboratory Corporation of America, LabCorp).